The following is an entry in ClinVar:

ClinVar aggregate classification (germline): Pathogenic (1 of 4 stars; one submission).

Conditions:
Nemaline myopathy 2 (NEM2). Also called: Nemaline myopathy 2, autosomal recessive. Identifiers: MedGen C1850569, MONDO:0009725, OMIM 256030.

Submission:

Myriad Genetics, Inc.
Classification: Pathogenic for Nemaline myopathy 2. Last evaluated: 2023-09-27. Review status: criteria provided, single submitter. Criteria: Myriad Autosomal Dominant, Autosomal Recessive and X-Linked Classification Criteria (2023). Collection method: clinical testing. Allele origin: unknown.
Comment: NM_001271208.1(NEB):c.22108dupA(T7370Nfs*16) is expected to be pathogenic in the context of NEB-related nemaline myopathy. This variant is predicted to lead to an abnormal or absent protein product due to the creation of a premature termination codon in NEB, a gene where loss-of-function variants are known to be pathogenic. Please note: this variant was assessed in the context of healthy population screening.

NM_001164508.2(NEB):c.22003dup (p.Thr7335fs)

Genes: NEB (nebulin; minus strand), RIF1 (replication timing regulatory factor 1; plus strand). Cytogenetic location: 2q23.3.
Variant type: Duplication.
Coding change: c.22003dup on transcript NM_001164508.2 (MANE Select); coding-DNA position 22003, one base duplicated (A; older notation c.22003dupA).
Protein change: p.Thr7335fs; shifts the reading frame from threonine 7335.
Molecular consequence: frameshift variant.
Genome position (GRCh38, 1-based): chr2:151,526,205, T duplicated on the plus strand (A on the coding strand, the reverse complement: NEB is on the minus strand). VCF-style (leftmost placement, unchanged base first): chr2-151526204-G-GT. GRCh37 (hg19) VCF-style: chr2-152382718-G-GT.
Other names: c.22003dup, p.Thr7335fs (NM_001164507.2); c.22108dup, p.Thr7370fs (NM_001271208.2); c.16900dup, p.Thr5634fs (NM_004543.5); short protein forms T5634fs, T7335fs, T7370fs.
Identifiers: ClinVar variation 5012229 (VCV005012229.1).